The following is an entry in ClinVar:

NM_139057.4(ADAMTS17):c.920T>G (p.Phe307Cys)

Gene: ADAMTS17 (ADAM metallopeptidase with thrombospondin type 1 motif 17; minus strand). Cytogenetic location: 15q26.3.
Variant type: single nucleotide variant.
Coding change: c.920T>G on transcript NM_139057.4 (MANE Select); coding-DNA position 920, T replaced by G.
Protein change: p.Phe307Cys; replaces phenylalanine 307 with cysteine.
Molecular consequence: missense variant.
Genome position (GRCh38, 1-based): chr15:100,261,590, A>C on the plus strand (T>G on the coding strand, the complement: ADAMTS17 is on the minus strand). VCF-style: chr15-100261590-A-C. GRCh37 (hg19) VCF-style: chr15-100801795-A-C.
Other names: short protein forms F307C.
Identifiers: ClinVar variation 1461312 (VCV001461312.5), dbSNP rs1322267921, ClinGen allele CA393939893.

ClinVar aggregate classification (germline): Uncertain significance (1 of 4 stars; one submission).

Allele frequency attached by ClinVar (database versions not stated): gnomAD exomes below 0.00001; TOPMed below 0.00001; gnomAD 0.00001.
gnomAD v4.1: 4 of 1,614,006 alleles (0.00025%); highest among the groups gnomAD compares: Non-Finnish European, 0.00034%; no homozygotes.

Submission:

Labcorp Genetics (formerly Invitae), Labcorp
Classification: Uncertain significance. Last evaluated: 2022-09-01. Review status: criteria provided, single submitter. Criteria: Invitae Variant Classification Sherloc (09022015). Collection method: clinical testing. Allele origin: germline.
Comment: This sequence change replaces phenylalanine, which is neutral and non-polar, with cysteine, which is neutral and slightly polar, at codon 307 of the ADAMTS17 protein (p.Phe307Cys). This variant is not present in population databases (gnomAD no frequency). This variant has not been reported in the literature in individuals affected with ADAMTS17-related conditions. ClinVar contains an entry for this variant (Variation ID: 1461312). Algorithms developed to predict the effect of missense changes on protein structure and function are either unavailable or do not agree on the potential impact of this missense change (SIFT: "Not Available"; PolyPhen-2: "Probably Damaging"; Align-GVGD: "Not Available"). In summary, the available evidence is currently insufficient to determine the role of this variant in disease. Therefore, it has been classified as a Variant of Uncertain Significance.